The following is an entry in ClinVar:

ClinVar aggregate classification (germline): Conflicting classifications of pathogenicity. Review status: criteria provided, conflicting classifications (1 of 4 stars). 7 submissions from 7 submitters: Uncertain significance (6); Likely benign (1). Last evaluated 2024-12-04.

Conditions:
Hereditary cancer-predisposing syndrome. Also called: Neoplastic Syndromes, Hereditary; Tumor predisposition; Hereditary Cancer Syndrome; Hereditary neoplastic syndrome. Identifiers: Orphanet 140162, MedGen C0027672, MeSH D009386, MONDO:0015356.
Breast-ovarian cancer, familial, susceptibility to, 1 (BROVCA1). Also called: BRCA1 Hereditary Breast and Ovarian Cancer; OVARIAN CANCER, SUSCEPTIBILITY TO. Identifiers: Orphanet 145, MedGen C2676676, MONDO:0011450, OMIM 604370. Disease mechanism: loss of function.
Hereditary breast ovarian cancer syndrome. Also called: Breast and ovarian cancer; Hereditary breast and ovarian cancer syndrome; Hereditary breast and ovarian cancer; Hereditary breast and/or ovarian cancer syndrome; BRCA1- and BRCA2-Associated Hereditary Breast and Ovarian Cancer; Hereditary breast and ovarian cancer syndrome (HBOC). Identifiers: Orphanet 145, MedGen C0677776, MeSH D061325, MONDO:0003582. Disease mechanism: loss of function.

gnomAD v4.1: 1 of 1,613,950 alleles (0.000062%); highest among the groups gnomAD compares: Middle Eastern, 0.016%; no homozygotes.

Submissions (7):

Ambry Genetics
Classification: Uncertain significance for Hereditary cancer-predisposing syndrome. Last evaluated: 2024-12-04. Review status: criteria provided, single submitter. Criteria: Ambry Variant Classification Scheme 2023. Collection method: clinical testing. Allele origin: germline.
Comment: The p.L666I variant (also known as c.1996C>A), located in coding exon 9 of the BRCA1 gene, results from a C to A substitution at nucleotide position 1996. The leucine at codon 666 is replaced by isoleucine, an amino acid with highly similar properties. This amino acid position is not well conserved in available vertebrate species. In addition, the in silico prediction for this alteration is inconclusive. Based on the available evidence, the clinical significance of this variant remains unclear.

All of Us Research Program, National Institutes of Health
Classification: Uncertain significance for Breast-ovarian cancer, familial, susceptibility to, 1. Last evaluated: 2023-08-15. Review status: criteria provided, single submitter. Criteria: ACMG Guidelines, 2015. Collection method: clinical testing. Allele origin: germline. Inheritance: Autosomal dominant inheritance. Observed: 1 variant allele, 1 heterozygote.
Comment: This missense variant replaces leucine with isoleucine at codon 666 of the BRCA1 protein. Computational prediction suggests that this variant may not impact protein structure and function (internally defined REVEL score threshold <= 0.5, PMID: 27666373). To our knowledge, functional studies have not been reported for this variant. This variant has not been reported in individuals affected with BRCA1-related disorders in the literature. This variant has not been identified in the general population by the Genome Aggregation Database (gnomAD). The available evidence is insufficient to determine the role of this variant in disease conclusively. Therefore, this variant is classified as a Variant of Uncertain Significance.

This study involves interpretation of variants in research participants for the purpose of population health screening. Participant phenotype was not available at the time of variant classification. Additional details can be found in publication PMID: 35346344, PMCID: PMC8962531

Color Diagnostics, LLC DBA Color Health
Classification: Uncertain significance for Hereditary cancer-predisposing syndrome. Last evaluated: 2023-08-02. Review status: criteria provided, single submitter. Criteria: ACMG Guidelines, 2015. Collection method: clinical testing. Allele origin: germline.
Comment: This missense variant replaces leucine with isoleucine at codon 666 of the BRCA1 protein. Computational prediction suggests that this variant may not impact protein structure and function (internally defined REVEL score threshold <= 0.5, PMID: 27666373). To our knowledge, functional studies have not been reported for this variant. This variant has not been reported in individuals affected with BRCA1-related disorders in the literature. This variant has not been identified in the general population by the Genome Aggregation Database (gnomAD). The available evidence is insufficient to determine the role of this variant in disease conclusively. Therefore, this variant is classified as a Variant of Uncertain Significance.

University of Washington Department of Laboratory Medicine, University of Washington
Classification: Likely benign for Hereditary cancer-predisposing syndrome. Last evaluated: 2023-03-23. Review status: criteria provided, single submitter. Criteria: Dines et al. (Genet Med. 2020). Collection method: curation. Allele origin: germline.
Comment: Missense variant in a coldspot region where missense variants are very unlikely to be pathogenic (PMID:31911673).

BRCA1 coldspot (exon 11 using historical exon numbering). Reclassification based on statistical prior probability

Sema4
Classification: Uncertain significance for Hereditary cancer-predisposing syndrome. Last evaluated: 2021-11-15. Review status: criteria provided, single submitter. Criteria: Sema4 Curation Guidelines. Collection method: curation. Allele origin: germline.
Comment: The BRCA1 c.1996C>A (p.L666I) variant has not been reported in the literature to our knowledge. It was not observed in the large and broad cohorts of the Genome Aggregation Database, but has been reported in ClinVar (Variation ID 1198624). Functional studies have not been performed, and in silico predictions of the variant's effect on protein function are inconclusive. The evidence is insufficient to meet ACMG/AMP criteria for classifying the variant as benign or pathogenic. Thus, the clinical significance of this variant is currently uncertain.

Labcorp Genetics (formerly Invitae), Labcorp
Classification: Uncertain significance for Hereditary breast ovarian cancer syndrome. Last evaluated: 2020-12-03. Review status: criteria provided, single submitter. Criteria: Invitae Variant Classification Sherloc (09022015). Collection method: clinical testing. Allele origin: germline.
Comment: In summary, the available evidence is currently insufficient to determine the role of this variant in disease. Therefore, it has been classified as a Variant of Uncertain Significance. Advanced modeling of protein sequence and biophysical properties (such as structural, functional, and spatial information, amino acid conservation, physicochemical variation, residue mobility, and thermodynamic stability) performed at Invitae indicates that this missense variant is not expected to disrupt BRCA1 protein function. This variant has not been reported in the literature in individuals with BRCA1-related conditions. This variant is not present in population databases (ExAC no frequency). This sequence change replaces leucine with isoleucine at codon 666 of the BRCA1 protein (p.Leu666Ile). The leucine residue is highly conserved and there is a small physicochemical difference between leucine and isoleucine.

GeneDx
Classification: Uncertain significance. Last evaluated: 2020-11-09. Review status: criteria provided, single submitter. Criteria: GeneDx Variant Classification Process June 2021. Collection method: clinical testing. Allele origin: germline. Affected: yes.
Comment: Not observed in large population cohorts (Lek et al., 2016); In silico analysis supports that this missense variant does not alter protein structure/function; Has not been previously published as pathogenic or benign to our knowledge

NM_007294.4(BRCA1):c.1996C>A (p.Leu666Ile)

Gene: BRCA1 (BRCA1 DNA repair associated; minus strand). Cytogenetic location: 17q21.31.
Variant type: single nucleotide variant.
Coding change: c.1996C>A on transcript NM_007294.4 (MANE Select); coding-DNA position 1996, C replaced by A.
Protein change: p.Leu666Ile; replaces leucine 666 with isoleucine.
Molecular consequence: missense variant. On other transcripts: intron variant (137).
Genome position (GRCh38, 1-based): chr17:43,093,535, G>T on the plus strand (C>A on the coding strand, the complement: BRCA1 is on the minus strand). VCF-style: chr17-43093535-G-T. GRCh37 (hg19) VCF-style: chr17-41245552-G-T.
Other names: c.1783C>A, p.Leu595Ile (NM_001407571.1, NM_001407853.1, NM_001407895.1 and 9 more transcripts); c.1996C>A, p.Leu666Ile (NM_001407581.1, NM_001407582.1, NM_001407583.1 and 30 more transcripts); c.1993C>A, p.Leu665Ile (NM_001407587.1, NM_001407590.1, NM_001407591.1 and 22 more transcripts); c.1987C>A, p.Leu663Ile (NM_001407646.1, NM_001407647.1); c.1873C>A, p.Leu625Ile (NM_001407648.1, NM_001407665.1, NM_001407666.1 and 19 more transcripts); c.1870C>A, p.Leu624Ile (NM_001407649.1, NM_001407670.1, NM_001407671.1 and 11 more transcripts); c.1918C>A, p.Leu640Ile (NM_001407653.1, NM_001407654.1, NM_001407655.1 and 4 more transcripts); c.1855C>A, p.Leu619Ile (NM_001407692.1, NM_001407729.1, NM_001407730.1 and 29 more transcripts); and 40 more; short protein forms L619I, L666I, L539I, L640I, L555I, L596I, L625I, L370I.
Identifiers: ClinVar variation 1198624 (VCV001198624.19), dbSNP rs1555590709, ClinGen allele CA10598020.
Genomic context (GRCh38, chr17:43,093,535, plus strand): 5'-CATTTGGCTTGTTACTCTTCTTGGCTCCAGTTGCAGGTTCTTTACCTTCCATGAGTTGTA[G>T]GTTTCTGCTGTGCCTGACTGGCATTTGGTTGTACTTTTTTTTCTTTATCTCTTCACTGCT-3'
Protein context (NP_009225.1, residues 656-676): NQMPVRHSRN[Leu666Ile]QLMEGKEPAT